The following is an entry in ClinVar:

ClinVar aggregate classification (germline): Uncertain significance (1 of 4 stars; one submission).

Submission:

Women's Health and Genetics/Laboratory Corporation of America, LabCorp
Classification: Uncertain significance. Last evaluated: 2024-11-15. Review status: criteria provided, single submitter. Criteria: LabCorp Variant Classification Summary - May 2015. Collection method: clinical testing. Allele origin: germline.
Comment: Variant summary: SALL1 c.3334C>T (p.Pro1112Ser) results in a non-conservative amino acid change in the encoded protein sequence. Three of five in-silico tools predict a damaging effect of the variant on protein function. The variant was absent in 251452 control chromosomes (gnomAD). The available data on variant occurrences in the general population are insufficient to allow any conclusion about variant significance. To our knowledge, no occurrence of c.3334C>T in individuals affected with Townes-Brocks Syndrome 1 and no experimental evidence demonstrating its impact on protein function have been reported. No submitters have cited clinical-significance assessments for this variant to ClinVar. Based on the evidence outlined above, the variant was classified as uncertain significance.

NM_002968.3(SALL1):c.3334C>T (p.Pro1112Ser)

Gene: SALL1 (spalt like transcription factor 1; minus strand). Cytogenetic location: 16q12.1.
Variant type: single nucleotide variant.
Coding change: c.3334C>T on transcript NM_002968.3 (MANE Select); coding-DNA position 3334, C replaced by T.
Protein change: p.Pro1112Ser; replaces proline 1112 with serine.
Molecular consequence: missense variant.
Genome position (GRCh38, 1-based): chr16:51,138,888, G>A on the plus strand (C>T on the coding strand, the complement: SALL1 is on the minus strand). VCF-style: chr16-51138888-G-A. GRCh37 (hg19) VCF-style: chr16-51172799-G-A.
Other names: c.3043C>T, p.Pro1015Ser (NM_001127892.2); short protein forms P1015S, P1112S.
Identifiers: ClinVar variation 3629606 (VCV003629606.1).